The following is an entry in ClinVar:

NM_001113491.2(SEPTIN9):c.1508A>C (p.Asp503Ala)

Gene: SEPTIN9 (septin 9; plus strand). Cytogenetic location: 17q25.3.
Variant type: single nucleotide variant.
Coding change: c.1508A>C on transcript NM_001113491.2 (MANE Select); coding-DNA position 1508, A replaced by C.
Protein change: p.Asp503Ala; replaces aspartic acid 503 with alanine.
Molecular consequence: missense variant.
Genome position (GRCh38, 1-based): chr17:77,493,011, A>C. VCF-style: chr17-77493011-A-C. GRCh37 (hg19) VCF-style: chr17-75489093-A-C.
Other names: c.1016A>C, p.Asp339Ala (NM_001113492.2, NM_001113494.1); c.1487A>C, p.Asp496Ala (NM_001113493.2); c.755A>C, p.Asp252Ala (NM_001113495.2, NM_001113496.2, NM_001293697.2 and 1 more transcripts); c.1451A>C, p.Asp484Ala (NM_001293695.2); c.836A>C, p.Asp279Ala (NM_001293696.2); c.1454A>C, p.Asp485Ala (NM_006640.5); short protein forms D484A, D485A, D279A, D252A, D339A, D503A, D496A.
Identifiers: ClinVar variation 2803534 (VCV002803534.3), dbSNP rs763634757, ClinGen allele CA8793827.

ClinVar aggregate classification (germline): Uncertain significance (1 of 4 stars; one submission).

Allele frequency attached by ClinVar (database versions not stated): gnomAD exomes below 0.00001; ExAC 0.00004.
gnomAD v4.1: 1 of 1,569,384 alleles (0.000064%); highest among the groups gnomAD compares: Non-Finnish European, 0.000086%; no homozygotes.

Submission:

Labcorp Genetics (formerly Invitae), Labcorp
Classification: Uncertain significance. Last evaluated: 2023-12-25. Review status: criteria provided, single submitter. Criteria: Invitae Variant Classification Sherloc (09022015). Collection method: clinical testing. Allele origin: germline.
Comment: This sequence change replaces aspartic acid, which is acidic and polar, with alanine, which is neutral and non-polar, at codon 485 of the SEPT9 protein (p.Asp485Ala). The frequency data for this variant in the population databases is considered unreliable, as metrics indicate poor data quality at this position in the gnomAD database. This variant has not been reported in the literature in individuals affected with SEPT9-related conditions. Advanced modeling of protein sequence and biophysical properties (such as structural, functional, and spatial information, amino acid conservation, physicochemical variation, residue mobility, and thermodynamic stability) performed at Invitae indicates that this missense variant is expected to disrupt SEPT9 protein function with a positive predictive value of 80%. In summary, the available evidence is currently insufficient to determine the role of this variant in disease. Therefore, it has been classified as a Variant of Uncertain Significance.